The following is an entry in ClinVar:

NM_007254.4(PNKP):c.1168G>T (p.Gly390Ter)

Gene: PNKP (polynucleotide kinase 3'-phosphatase; minus strand). Cytogenetic location: 19q13.33.
Variant type: single nucleotide variant.
Coding change: c.1168G>T on transcript NM_007254.4 (MANE Select); coding-DNA position 1168, G replaced by T.
Protein change: p.Gly390Ter; replaces glycine 390 with a stop codon.
Molecular consequence: nonsense.
Genome position (GRCh38, 1-based): chr19:49,862,064, C>A on the plus strand (G>T on the coding strand, the complement: PNKP is on the minus strand). VCF-style: chr19-49862064-C-A. GRCh37 (hg19) VCF-style: chr19-50365321-C-A.
Other names: short protein forms G390*.
Identifiers: ClinVar variation 3375370 (VCV003375370.3).

ClinVar aggregate classification (germline): Pathogenic. Review status: criteria provided, multiple submitters, no conflicts (2 of 4 stars). 2 submissions from 2 submitters: Pathogenic (2). Last evaluated 2024-09-19.

Conditions:
PNKP-related disorder. Also called: PNKP-related condition; PNKP-related disorders.
Developmental and epileptic encephalopathy, 12 (DEE12). Identifiers: MedGen C3150988, MONDO:0013389, OMIM 613722.

Submissions (2):

Women's Health and Genetics/Laboratory Corporation of America, LabCorp
Classification: Pathogenic for PNKP-Related Disorders. Last evaluated: 2024-09-19. Review status: criteria provided, single submitter. Criteria: LabCorp Variant Classification Summary - May 2015. Collection method: clinical testing. Allele origin: germline.
Comment: Variant summary: PNKP c.1168G>T (p.Gly390X) results in a premature termination codon, predicted to cause absence of the protein due to nonsense mediated decay, which is a commonly known mechanisms for disease. The variant allele was found at a frequency of 4e-06 in 251414 control chromosomes. To our knowledge, no occurrence of c.1168G>T in individuals affected with PNKP-Related Disorders and no experimental evidence demonstrating its impact on protein function have been reported. No submitters have cited clinical-significance assessments for this variant to ClinVar. Based on the evidence outlined above, the variant was classified as pathogenic.

Labcorp Genetics (formerly Invitae), Labcorp
Classification: Pathogenic for Developmental and epileptic encephalopathy, 12. Last evaluated: 2024-03-07. Review status: criteria provided, single submitter. Criteria: Invitae Variant Classification Sherloc (09022015). Collection method: clinical testing. Allele origin: germline.
Comment: This sequence change creates a premature translational stop signal (p.Gly390*) in the PNKP gene. It is expected to result in an absent or disrupted protein product. Loss-of-function variants in PNKP are known to be pathogenic (PMID: 20118933, 25728773). This variant is present in population databases (rs761335711, gnomAD 0.0009%). This variant has not been reported in the literature in individuals affected with PNKP-related conditions. Algorithms developed to predict the effect of sequence changes on RNA splicing suggest that this variant may disrupt the consensus splice site. For these reasons, this variant has been classified as Pathogenic.

Literature cited by the submitters: PubMed 20118933 (cited by Labcorp Genetics (formerly Invitae), Labcorp); PubMed 25728773 (cited by Labcorp Genetics (formerly Invitae), Labcorp).